The following is an entry in ClinVar:

NM_000419.5(ITGA2B):c.2915_2916delinsT (p.Pro972fs)

Gene: ITGA2B (integrin subunit alpha 2b; minus strand). Cytogenetic location: 17q21.31.
Variant type: Indel.
Coding change: c.2915_2916delinsT on transcript NM_000419.5 (MANE Select); coding-DNA positions 2915 to 2916, CG replaced by T.
Protein change: p.Pro972fs; shifts the reading frame from proline 972.
Molecular consequence: frameshift variant.
Genome position (GRCh38, 1-based): chr17:44,374,686-44,374,687, CG replaced by A on the plus strand (CG replaced by T on the coding strand, the reverse complement: ITGA2B is on the minus strand). VCF-style: chr17-44374686-CG-A. GRCh37 (hg19) VCF-style: chr17-42452054-CG-A.
Other names: short protein forms P972fs.
Identifiers: ClinVar variation 971253 (VCV000971253.8), dbSNP rs2048523750, ClinGen allele CA1139665645.

ClinVar aggregate classification (germline): Uncertain significance. Review status: reviewed by expert panel (3 of 4 stars). 2 submissions from 2 submitters: Uncertain significance (1). 1 of the submissions does not count toward it. Last evaluated 2024-06-06.

Conditions:
Glanzmann thrombasthenia. Also called: BLEEDING DISORDER, PLATELET-TYPE, 2; THROMBASTHENIA OF GLANZMANN AND NAEGELI; PLATELET GLYCOPROTEIN IIb-IIIa DEFICIENCY; Glanzmann's thrombasthenia; Thrombasthenia. Identifiers: Orphanet 849, MedGen C0040015, MONDO:0100326.

Submissions (2):

ClinGen Platelet Disorders Variant Curation Expert Panel, ClinGen
Classification: Uncertain significance for Glanzmann thrombasthenia. Last evaluated: 2024-06-06. Review status: reviewed by expert panel. Criteria: ClinGen Platelet ACMG Specifications v2-1. Collection method: curation. Allele origin: germline. Inheritance: Autosomal recessive inheritance.
Comment: The NM_000419.5(ITGA2B):c.2915_2916delinsT (p.Pro972fs) variant causes a frameshift and subsequent stop loss, resulting in alteration of the remaining 68 amino acids followed by the addition of 90 amino acids to the ITGA2B protein. This alters the transmembrane domain of the protein which is considered a critical region for protein function by the Platelet Disorders VCEP (PVS1_strong). This variant is absent from gnomAD v4.0 (PM2_Supporting). In summary, this variant is classified as uncertain significance for autosomal recessive Glanzmann thrombasthenia. GT-specific criteria applied: PVS1_Strong, PM2_Supporting.

Labcorp Genetics (formerly Invitae), Labcorp
Classification: Pathogenic for Glanzmann thrombasthenia. Last evaluated: 2019-09-21. Review status: criteria provided, single submitter. Criteria: Invitae Variant Classification Sherloc (09022015). Collection method: clinical testing. Allele origin: germline. Not counted in ClinVar's aggregate classification.
Comment: For these reasons, this variant has been classified as Pathogenic. This variant disrupts the C-terminus of the ITGA2B protein. Other variant(s) that disrupt this region (p.Leu973Alafs*63) have been determined to be pathogenic (PMID: 28888044). This suggests that variants that disrupt this region of the protein are likely to be causative of disease. This variant has not been reported in the literature in individuals with ITGA2B-related conditions. This variant is not present in population databases (ExAC no frequency). This sequence change results in a frameshift in the ITGA2B gene (p.Pro972Leufs*). While this is not anticipated to result in nonsense mediated decay, it is expected to disrupt the last 68 amino acids of the ITGA2B protein and extend the protein by an unknown number of additional amino acids.

Literature cited by the submitters: PubMed 28888044 (cited by Labcorp Genetics (formerly Invitae), Labcorp).